The following is an entry in ClinVar:

ClinVar aggregate classification (germline): Pathogenic (1 of 4 stars; one submission).

Submission:

Labcorp Genetics (formerly Invitae), Labcorp
Classification: Pathogenic. Last evaluated: 2023-12-18. Review status: criteria provided, single submitter. Criteria: Invitae Variant Classification Sherloc (09022015). Collection method: clinical testing. Allele origin: germline.
Comment: This variant is a gross deletion of the genomic region encompassing exon(s) 11 of the TBXAS1 gene. This variant would be expected to be in-frame, preserving the integrity of the reading frame. This variant has not been reported in the literature in individuals affected with TBXAS1-related conditions. This variant disrupts a region of the TBXAS1 protein in which other variant(s) (p.Arg413Gln) have been determined to be pathogenic (PMID: 18264100, 27156553, 33185009, 33244729, 35395429). This suggests that this is a clinically significant region of the protein, and that variants that disrupt it are likely to be disease-causing. For these reasons, this variant has been classified as Pathogenic.

Literature cited by the submitters: PubMed 18264100; PubMed 27156553; PubMed 33185009; PubMed 33244729; PubMed 35395429.

NC_000007.13:g.(?_139715503)_(139715680_?)del

Gene: TBXAS1 (thromboxane A synthase 1; plus strand). Cytogenetic location: 7q34.
Variant type: Deletion.
Identifiers: ClinVar variation 2423590 (VCV002423590.4).